The following is an entry in ClinVar:

NM_014780.5(CUL7):c.5093G>A (p.Arg1698Gln)

Gene: CUL7 (cullin 7; minus strand). Cytogenetic location: 6p21.1.
Variant type: single nucleotide variant.
Coding change: c.5093G>A on transcript NM_014780.5 (MANE Select); coding-DNA position 5093, G replaced by A.
Protein change: p.Arg1698Gln; replaces arginine 1698 with glutamine.
Molecular consequence: missense variant.
Genome position (GRCh38, 1-based): chr6:43,037,692, C>T on the plus strand (G>A on the coding strand, the complement: CUL7 is on the minus strand). VCF-style: chr6-43037692-C-T. GRCh37 (hg19) VCF-style: chr6-43005430-C-T.
Other names: c.5189G>A, p.Arg1730Gln (NM_001168370.2, NM_001374872.1); c.5105G>A, p.Arg1702Gln (NM_001374873.1); c.5090G>A, p.Arg1697Gln (NM_001374874.1); short protein forms R1702Q, R1730Q, R1697Q, R1698Q.
Identifiers: ClinVar variation 909227 (VCV000909227.9), dbSNP rs541161018, ClinGen allele CA3813047.
Genomic context (GRCh38, chr6:43,037,692, plus strand): 5'-GGGTTTTATTTCTGTAAAAGCTCCAGCTCTACCTTCCCCTGACCCCAAGTCTAGGGCTAC[C>T]GGAAGGTAGAGAAGCTCTGGGTGGCAGTGCAGGAGGCATAGGGCACACCCCGGGAGCGAA-3'
Protein context (NP_055595.2, residues 1688-1698): CTATQSFSTF[Arg1698Gln]

ClinVar aggregate classification (germline): Uncertain significance. Review status: criteria provided, multiple submitters, no conflicts (2 of 4 stars). 4 submissions from 4 submitters: Uncertain significance (4). Last evaluated 2026-03-02.

Conditions:
3M syndrome 1. Also called: 3-M Syndrome, CUL7-Related. Identifiers: Orphanet 2616, MedGen C2678312, MONDO:0010117, OMIM 273750.

Allele frequency attached by ClinVar (database versions not stated): gnomAD exomes 0.00007 and 0.00017; 1000 Genomes Project 30x 0.00016; TOPMed 0.00019; 1000 Genomes Project 0.00020; ExAC 0.00020.
gnomAD v4.1: 116 of 1,553,764 alleles (0.0075%); highest among the groups gnomAD compares: East Asian, 0.19%; no homozygotes.

Submissions (4):

Women's Health and Genetics/Laboratory Corporation of America, LabCorp
Classification: Uncertain significance. Last evaluated: 2026-03-02. Review status: criteria provided, single submitter. Criteria: LabCorp Variant Classification Summary - May 2015. Collection method: clinical testing. Allele origin: germline.
Comment: Variant summary: CUL7 c.5093G>A (p.Arg1698Gln) results in a conservative amino acid change in the encoded protein sequence. Algorithms developed to predict the effect of missense changes on protein structure and function are either unavailable or do not agree on the potential impact of this missense change. The variant allele was found at a frequency of 0.00017 in 160096 control chromosomes. This frequency is not significantly higher than estimated for disease-causing variants in CUL7, allowing no conclusion about variant significance. To our knowledge, no occurrence of c.5093G>A in individuals affected with CUL7-related conditions and no experimental evidence demonstrating its impact on protein function have been reported. ClinVar contains an entry for this variant (Variation ID: 909227). Based on the evidence outlined above, the variant was classified as uncertain significance.

Blueprint Genetics
Classification: Uncertain significance. Last evaluated: 2024-08-08. Review status: criteria provided, single submitter. Criteria: ACMG Guidelines, 2015. Collection method: clinical testing. Allele origin: germline.

Labcorp Genetics (formerly Invitae), Labcorp
Classification: Uncertain significance. Last evaluated: 2023-07-10. Review status: criteria provided, single submitter. Criteria: Invitae Variant Classification Sherloc (09022015). Collection method: clinical testing. Allele origin: germline.
Comment: This sequence change replaces arginine, which is basic and polar, with glutamine, which is neutral and polar, at codon 1698 of the CUL7 protein (p.Arg1698Gln). This variant is present in population databases (rs541161018, gnomAD 0.2%). This variant has not been reported in the literature in individuals affected with CUL7-related conditions. ClinVar contains an entry for this variant (Variation ID: 909227). An algorithm developed to predict the effect of missense changes on protein structure and function (PolyPhen-2) suggests that this variant is likely to be disruptive. In summary, the available evidence is currently insufficient to determine the role of this variant in disease. Therefore, it has been classified as a Variant of Uncertain Significance.

Illumina Laboratory Services, Illumina
Classification: Uncertain significance for 3M syndrome 1. Last evaluated: 2018-01-12. Review status: criteria provided, single submitter. Criteria: ICSL Variant Classification Criteria 13 December 2019. Collection method: clinical testing. Allele origin: germline.